The following is an entry in ClinVar:

ClinVar aggregate classification (germline): Uncertain significance (1 of 4 stars; one submission).

Submission:

Labcorp Genetics (formerly Invitae), Labcorp
Classification: Uncertain significance. Last evaluated: 2025-10-19. Review status: criteria provided, single submitter. Criteria: Invitae Variant Classification Sherloc (09022015). Collection method: clinical testing. Allele origin: germline.
Comment: This sequence change replaces glycine, which is neutral and non-polar, with aspartic acid, which is acidic and polar, at codon 640 of the GSN protein (p.Gly640Asp). This variant is not present in population databases (gnomAD no frequency). This variant has not been reported in the literature in individuals affected with GSN-related conditions. Invitae Evidence Modeling of protein sequence and biophysical properties (such as structural, functional, and spatial information, amino acid conservation, physicochemical variation, residue mobility, and thermodynamic stability) indicates that this missense variant is not expected to disrupt GSN protein function with a negative predictive value of 80%. In summary, the available evidence is currently insufficient to determine the role of this variant in disease. Therefore, it has been classified as a Variant of Uncertain Significance.

NM_198252.3(GSN):c.1766G>A (p.Gly589Asp)

Gene: GSN (gelsolin; plus strand). Cytogenetic location: 9q33.2.
Variant type: single nucleotide variant.
Coding change: c.1766G>A on transcript NM_198252.3 (MANE Select); coding-DNA position 1766, G replaced by A.
Protein change: p.Gly589Asp; replaces glycine 589 with aspartic acid.
Molecular consequence: missense variant.
Genome position (GRCh38, 1-based): chr9:121,328,894, G>A. VCF-style: chr9-121328894-G-A. GRCh37 (hg19) VCF-style: chr9-124091172-G-A.
Other names: c.1919G>A, p.Gly640Asp (NM_000177.5); c.1766G>A, p.Gly589Asp (NM_001127662.2, NM_001127664.2, NM_001127665.2 and 10 more transcripts); c.1874G>A, p.Gly625Asp (NM_001127663.2); c.1799G>A, p.Gly600Asp (NM_001127666.2, NM_001127667.2, NM_001353063.2 and 13 more transcripts); c.1817G>A, p.Gly606Asp (NM_001258029.2); c.1790G>A, p.Gly597Asp (NM_001258030.2); c.1838G>A, p.Gly613Asp (NM_001353076.2); c.1112G>A, p.Gly371Asp (NM_001353078.2); short protein forms G371D, G613D, G625D, G589D, G597D, G600D, G606D, G640D.
Identifiers: ClinVar variation 4766912 (VCV004766912.1).